The following is an entry in ClinVar:

ClinVar aggregate classification (germline): Pathogenic (1 of 4 stars; one submission).

Submission:

Labcorp Genetics (formerly Invitae), Labcorp
Classification: Pathogenic. Last evaluated: 2022-03-18. Review status: criteria provided, single submitter. Criteria: Invitae Variant Classification Sherloc (09022015). Collection method: clinical testing. Allele origin: germline.
Comment: This sequence change creates a premature translational stop signal (p.Tyr487*) in the LOXHD1 gene. It is expected to result in an absent or disrupted protein product. Loss-of-function variants in LOXHD1 are known to be pathogenic (PMID: 19732867, 21465660, 25792669). This variant is not present in population databases (gnomAD no frequency). This variant has not been reported in the literature in individuals affected with LOXHD1-related conditions. For these reasons, this variant has been classified as Pathogenic.

Literature cited by the submitters: PubMed 19732867; PubMed 21465660; PubMed 25792669.

NM_001384474.1(LOXHD1):c.1461T>A (p.Tyr487Ter)

Gene: LOXHD1 (lipoxygenase homology PLAT domains 1; minus strand). Cytogenetic location: 18q21.1.
Variant type: single nucleotide variant.
Coding change: c.1461T>A on transcript NM_001384474.1 (MANE Select); coding-DNA position 1461, T replaced by A.
Protein change: p.Tyr487Ter; replaces tyrosine 487 with a stop codon.
Molecular consequence: nonsense.
Genome position (GRCh38, 1-based): chr18:46,592,555, A>T on the plus strand (T>A on the coding strand, the complement: LOXHD1 is on the minus strand). VCF-style: chr18-46592555-A-T. GRCh37 (hg19) VCF-style: chr18-44172518-A-T.
Other names: c.1461T>A, p.Tyr487Ter (NM_144612.7); short protein forms Y487*.
Identifiers: ClinVar variation 2109525 (VCV002109525.4), dbSNP rs879216922, ClinGen allele CA299803837.